The following is an entry in ClinVar:

NM_000271.5(NPC1):c.1327-9T>A

Gene: NPC1 (NPC intracellular cholesterol transporter 1; minus strand). Cytogenetic location: 18q11.2.
Variant type: single nucleotide variant.
Coding change: c.1327-9T>A on transcript NM_000271.5 (MANE Select); 9 bases into the intron before coding-DNA position 1327, T replaced by A.
Molecular consequence: intron variant.
Genome position (GRCh38, 1-based): chr18:23,554,993, A>T on the plus strand (T>A on the coding strand, the complement: NPC1 is on the minus strand). VCF-style: chr18-23554993-A-T. GRCh37 (hg19) VCF-style: chr18-21134957-A-T.
Other names: c.1327-9T>A (NM_000271.4).
Identifiers: ClinVar variation 1134813 (VCV001134813.10), dbSNP rs375922122, ClinGen allele CA8913482.

ClinVar aggregate classification (germline): Likely benign. Review status: criteria provided, multiple submitters, no conflicts (2 of 4 stars). 2 submissions from 2 submitters: Likely benign (2). Last evaluated 2026-08-08.

Conditions:
NPC1-related disorder. Also called: NPC1-related condition.
Niemann-Pick disease, type C1. Also called: NIEMANN-PICK DISEASE, VARIANT TYPE C1; NEUROVISCERAL STORAGE DISEASE WITH VERTICAL SUPRANUCLEAR OPHTHALMOPLEGIA; NIEMANN-PICK DISEASE WITH CHOLESTEROL ESTERIFICATION BLOCK; NIEMANN-PICK DISEASE WITHOUT SPHINGOMYELINASE DEFICIENCY; NIEMANN-PICK DISEASE, CHRONIC NEURONOPATHIC FORM. Identifiers: Orphanet 646, MedGen C3179455, MONDO:0009757, OMIM 257220.

Allele frequency attached by ClinVar (database versions not stated): ExAC 0.00002; TOPMed 0.00002; gnomAD 0.00003 and 0.00004; ESP Exome Variant Server 0.00008.
gnomAD v4.1: 9 of 1,584,668 alleles (0.00057%); highest among the groups gnomAD compares: African/African-American, 0.012%; no homozygotes.

Submissions (2):

PreventionGenetics, part of Exact Sciences
Classification: Likely benign for NPC1-related condition. Last evaluated: 2026-08-08. Review status: criteria provided, single submitter. Criteria: ACMG Guidelines, 2015. Collection method: clinical testing. Allele origin: germline.
Comment: This variant is classified as likely benign based on ACMG/AMP sequence variant interpretation guidelines (Richards et al. 2015 PMID: 25741868, with internal and published modifications).

Labcorp Genetics (formerly Invitae), Labcorp
Classification: Likely benign for Niemann-Pick disease, type C1. Last evaluated: 2021-04-29. Review status: criteria provided, single submitter. Criteria: Invitae Variant Classification Sherloc (09022015). Collection method: clinical testing. Allele origin: germline.